The following is an entry in ClinVar:

ClinVar aggregate classification (germline): Uncertain significance. Review status: criteria provided, multiple submitters, no conflicts (2 of 4 stars). 3 submissions from 3 submitters: Uncertain significance (3). Last evaluated 2025-10-19.

Conditions:
Aortic valve disease 2 (AOVD2). Identifiers: MedGen C3542024, MONDO:0013902, OMIM 614823.
Inborn genetic diseases. Identifiers: MedGen C0950123, MeSH D030342.

Allele frequency attached by ClinVar (database versions not stated): TOPMed 0.00001.

Submissions (3):

Labcorp Genetics (formerly Invitae), Labcorp
Classification: Uncertain significance for Aortic valve disease 2. Last evaluated: 2025-10-19. Review status: criteria provided, single submitter. Criteria: Invitae Variant Classification Sherloc (09022015). Collection method: clinical testing. Allele origin: germline.
Comment: This sequence change replaces proline, which is neutral and non-polar, with serine, which is neutral and polar, at codon 263 of the SMAD6 protein (p.Pro263Ser). This variant is not present in population databases (gnomAD no frequency). This missense change has been observed in individual(s) with pulmonary arterial hypertension (PMID: 40133303). ClinVar contains an entry for this variant (Variation ID: 1017896). Invitae Evidence Modeling of protein sequence and biophysical properties (such as structural, functional, and spatial information, amino acid conservation, physicochemical variation, residue mobility, and thermodynamic stability) indicates that this missense variant is expected to disrupt SMAD6 protein function with a positive predictive value of 80%. In summary, the available evidence is currently insufficient to determine the role of this variant in disease. Therefore, it has been classified as a Variant of Uncertain Significance.

Ambry Genetics
Classification: Uncertain significance for Inborn genetic diseases. Last evaluated: 2024-11-30. Review status: criteria provided, single submitter. Criteria: Ambry Variant Classification Scheme 2023. Collection method: clinical testing. Allele origin: germline.
Comment: The p.P263S variant (also known as c.787C>T), located in coding exon 1 of the SMAD6 gene, results from a C to T substitution at nucleotide position 787. The proline at codon 263 is replaced by serine, an amino acid with similar properties. This amino acid position is conserved. In addition, this alteration is predicted to be deleterious by in silico analysis. Based on the available evidence, the clinical significance of this variant remains unclear.

GeneDx
Classification: Uncertain significance. Last evaluated: 2023-04-21. Review status: criteria provided, single submitter. Criteria: GeneDx Variant Classification Process June 2021. Collection method: clinical testing. Allele origin: germline. Affected: yes.
Comment: Not observed at significant frequency in large population cohorts (gnomAD); In silico analysis supports that this missense variant has a deleterious effect on protein structure/function; Has not been previously published as pathogenic or benign to our knowledge

Literature cited by the submitters: PubMed 40133303 (cited by Labcorp Genetics (formerly Invitae), Labcorp).

NM_005585.5(SMAD6):c.787C>T (p.Pro263Ser)

Gene: SMAD6 (SMAD family member 6; plus strand). Cytogenetic location: 15q22.31.
Variant type: single nucleotide variant.
Coding change: c.787C>T on transcript NM_005585.5 (MANE Select); coding-DNA position 787, C replaced by T.
Protein change: p.Pro263Ser; replaces proline 263 with serine.
Molecular consequence: missense variant. On other transcripts: non-coding transcript variant (1).
Genome position (GRCh38, 1-based): chr15:66,704,045, C>T. VCF-style: chr15-66704045-C-T. GRCh37 (hg19) VCF-style: chr15-66996383-C-T.
Other names: c.787C>T (NM_005585.4); short protein forms P263S.
Identifiers: ClinVar variation 1017896 (VCV001017896.11), dbSNP rs1382712515, ClinGen allele CA392950247.